The following is an entry in ClinVar:

NM_004336.5(BUB1):c.280A>T (p.Ile94Phe)

Gene: BUB1 (BUB1 mitotic checkpoint serine/threonine kinase; minus strand). Cytogenetic location: 2q13.
Variant type: single nucleotide variant.
Coding change: c.280A>T on transcript NM_004336.5 (MANE Select); coding-DNA position 280, A replaced by T.
Protein change: p.Ile94Phe; replaces isoleucine 94 with phenylalanine.
Molecular consequence: missense variant.
Genome position (GRCh38, 1-based): chr2:110,672,803, T>A on the plus strand (A>T on the coding strand, the complement: BUB1 is on the minus strand). VCF-style: chr2-110672803-T-A. GRCh37 (hg19) VCF-style: chr2-111430380-T-A.
Other names: c.220A>T, p.Ile74Phe (NM_001278616.2); c.280A>T, p.Ile94Phe (NM_001278617.2); short protein forms I94F, I74F.
Identifiers: ClinVar variation 1796305 (VCV001796305.2), dbSNP rs1375525587, ClinGen allele CA348220632.

ClinVar aggregate classification (germline): Uncertain significance (1 of 4 stars; one submission).

Submission:

Ambry Genetics
Classification: Uncertain significance. Last evaluated: 2022-05-14. Review status: criteria provided, single submitter. Criteria: Ambry Variant Classification Scheme 2023. Collection method: clinical testing. Allele origin: germline.
Comment: The p.I94F variant (also known as c.280A>T), located in coding exon 4 of the BUB1 gene, results from an A to T substitution at nucleotide position 280. The isoleucine at codon 94 is replaced by phenylalanine, an amino acid with highly similar properties. This amino acid position is conserved. In addition, the in silico prediction for this alteration is inconclusive. Since supporting evidence is limited at this time, the clinical significance of this alteration remains unclear.